The following is an entry in ClinVar:

ClinVar aggregate classification (germline): Uncertain significance (1 of 4 stars; one submission).

gnomAD v4.1: 2 of 1,497,734 alleles (0.00013%); highest among the groups gnomAD compares: African/African-American, 0.0014%; no homozygotes.

Submission:

Labcorp Genetics (formerly Invitae), Labcorp
Classification: Uncertain significance. Last evaluated: 2025-12-08. Review status: criteria provided, single submitter. Criteria: Invitae Variant Classification Sherloc (09022015). Collection method: clinical testing. Allele origin: germline.
Comment: This sequence change replaces proline, which is neutral and non-polar, with serine, which is neutral and polar, at codon 67 of the PDE4D protein (p.Pro67Ser). This variant is not present in population databases (gnomAD no frequency). This variant has not been reported in the literature in individuals affected with PDE4D-related conditions. An algorithm developed to predict the effect of missense changes on protein structure and function (PolyPhen-2) suggests that this variant is likely to be tolerated. In summary, the available evidence is currently insufficient to determine the role of this variant in disease. Therefore, it has been classified as a Variant of Uncertain Significance.

NM_001104631.2(PDE4D):c.199C>T (p.Pro67Ser)

Gene: PDE4D (phosphodiesterase 4D; minus strand). Cytogenetic location: 5q12.1.
Variant type: single nucleotide variant.
Coding change: c.199C>T on transcript NM_001104631.2 (MANE Select); coding-DNA position 199, C replaced by T.
Protein change: p.Pro67Ser; replaces proline 67 with serine.
Molecular consequence: missense variant. On other transcripts: intron variant (5).
Genome position (GRCh38, 1-based): chr5:59,893,424, G>A on the plus strand (C>T on the coding strand, the complement: PDE4D is on the minus strand). VCF-style: chr5-59893424-G-A. GRCh37 (hg19) VCF-style: chr5-59189251-G-A.
Other names: c.272+95064C>T (NM_001364599.1, NM_001165899.2, NM_001364600.2); c.-240+95064C>T (NM_001349243.2); c.242+95064C>T (NM_001349241.2); short protein forms P67S.
Identifiers: ClinVar variation 4774946 (VCV004774946.1).